The following is an entry in ClinVar:

ClinVar aggregate classification (germline): Pathogenic (1 of 4 stars; one submission).

Conditions:
CHD7-related CHARGE syndrome. Identifiers: MedGen CN380413, MONDO:1010178, OMIM 214800.

Submission:

Molecular Genetics Laboratory, Motol Hospital
Classification: Pathogenic for CHD7-related CHARGE syndrome. Last evaluated: 2014-03-10. Review status: criteria provided, single submitter. Criteria: ACMG Guidelines, 2015. Collection method: clinical testing. Allele origin: de novo. Affected: yes. Observed: 1 variant allele.
Comment: hearing abnormality, congenital heart defect, micropenis, hypotonia. Rare loss-of-function variants in the CHD7 gene are associated with autosomal dominant CHARGE syndrome (MIM:214800). Rare variant not present in the non-Finnish European poulation (gnomAD v4.1.0). The variant is classified as pathogenic.

NM_017780.4(CHD7):c.5435A>G (p.Asp1812Gly)

Gene: CHD7 (chromodomain helicase DNA binding protein 7; plus strand). Cytogenetic location: 8q12.2.
Variant type: single nucleotide variant.
Coding change: c.5435A>G on transcript NM_017780.4 (MANE Select); coding-DNA position 5435, A replaced by G.
Protein change: p.Asp1812Gly; replaces aspartic acid 1812 with glycine.
Molecular consequence: missense variant. On other transcripts: intron variant (1).
Genome position (GRCh38, 1-based): chr8:60,850,523, A>G. VCF-style: chr8-60850523-A-G. GRCh37 (hg19) VCF-style: chr8-61763082-A-G.
Other names: c.1717-11706A>G (NM_001316690.1); short protein forms D1812G.
Identifiers: ClinVar variation 4819310 (VCV004819310.1).